The following is an entry in ClinVar:

ClinVar aggregate classification (germline): Pathogenic (1 of 4 stars; one submission).

Submission:

Labcorp Genetics (formerly Invitae), Labcorp
Classification: Pathogenic. Last evaluated: 2023-02-26. Review status: criteria provided, single submitter. Criteria: Invitae Variant Classification Sherloc (09022015). Collection method: clinical testing. Allele origin: germline.
Comment: For these reasons, this variant has been classified as Pathogenic. ClinVar contains an entry for this variant (Variation ID: 2114629). This variant has not been reported in the literature in individuals affected with MYO7A-related conditions. This variant is not present in population databases (gnomAD no frequency). This sequence change creates a premature translational stop signal (p.Trp184*) in the MYO7A gene. It is expected to result in an absent or disrupted protein product. Loss-of-function variants in MYO7A are known to be pathogenic (PMID: 8900236, 25404053).

Literature cited by the submitters: PubMed 8900236; PubMed 25404053.

NM_000260.4(MYO7A):c.551G>A (p.Trp184Ter)

Gene: MYO7A (myosin VIIA; plus strand). Cytogenetic location: 11q13.5.
Variant type: single nucleotide variant.
Coding change: c.551G>A on transcript NM_000260.4 (MANE Select); coding-DNA position 551, G replaced by A.
Protein change: p.Trp184Ter; replaces tryptophan 184 with a stop codon.
Molecular consequence: nonsense.
Genome position (GRCh38, 1-based): chr11:77,156,740, G>A. VCF-style: chr11-77156740-G-A. GRCh37 (hg19) VCF-style: chr11-76867786-G-A.
Other names: c.551G>A, p.Trp184Ter (NM_001127180.2); c.518G>A, p.Trp173Ter (NM_001369365.1); short protein forms W184*, W173*.
Identifiers: ClinVar variation 2114629 (VCV002114629.4), dbSNP rs2496744948, ClinGen allele CA381931907.